The following is an entry in ClinVar:

ClinVar aggregate classification (germline): Pathogenic (1 of 4 stars; one submission).

Conditions:
Early-infantile DEE. Also called: Ohtahara syndrome; Early infantile epileptic encephalopathy with suppression bursts; Early infantile epileptic encephalopathy. Identifiers: Orphanet 1934, MedGen C0393706, MONDO:0800491.

Submission:

Labcorp Genetics (formerly Invitae), Labcorp
Classification: Pathogenic for Early-infantile DEE. Last evaluated: 2024-07-25. Review status: criteria provided, single submitter. Criteria: Invitae Variant Classification Sherloc (09022015). Collection method: clinical testing. Allele origin: germline.
Comment: This sequence change replaces asparagine, which is neutral and polar, with lysine, which is basic and polar, at codon 804 of the SCN1A protein (p.Asn804Lys). This variant is not present in population databases (gnomAD no frequency). This missense change has been observed in individual(s) with Dravet syndrome (PMID: 28202706). In at least one individual the variant was observed to be de novo. Advanced modeling of protein sequence and biophysical properties (such as structural, functional, and spatial information, amino acid conservation, physicochemical variation, residue mobility, and thermodynamic stability) performed at Invitae indicates that this missense variant is expected to disrupt SCN1A protein function with a positive predictive value of 95%. Algorithms developed to predict the effect of sequence changes on RNA splicing suggest that this variant may create or strengthen a splice site. For these reasons, this variant has been classified as Pathogenic.

Literature cited by the submitters: PubMed 28202706.

NM_001165963.4(SCN1A):c.2412C>G (p.Asn804Lys)

Gene: SCN1A (sodium voltage-gated channel alpha subunit 1; minus strand). Cytogenetic location: 2q24.3.
Variant type: single nucleotide variant.
Coding change: c.2412C>G on transcript NM_001165963.4 (MANE Select); coding-DNA position 2412, C replaced by G.
Protein change: p.Asn804Lys; replaces asparagine 804 with lysine.
Molecular consequence: missense variant. On other transcripts: 5 prime UTR variant (1), non-coding transcript variant (1).
Genome position (GRCh38, 1-based): chr2:166,041,234, G>C on the plus strand (C>G on the coding strand, the complement: SCN1A is on the minus strand). VCF-style: chr2-166041234-G-C. GRCh37 (hg19) VCF-style: chr2-166897744-G-C.
Other names: c.2328C>G, p.Asn776Lys (NM_001165964.3, NM_001353957.2, NM_001353958.2); c.2412C>G, p.Asn804Lys (NM_001202435.3, NM_001353948.2); c.2379C>G, p.Asn793Lys (NM_001353949.2, NM_001353950.2, NM_001353951.2 and 2 more transcripts); c.2376C>G, p.Asn792Lys (NM_001353954.2, NM_001353955.2); c.2325C>G, p.Asn775Lys (NM_001353960.2); c.-47C>G (NM_001353961.2); short protein forms N792K, N776K, N775K, N793K, N804K.
Identifiers: ClinVar variation 3720372 (VCV003720372.2).